The following is an entry in ClinVar:

NM_004260.4(RECQL4):c.601T>A (p.Phe201Ile)

Gene: RECQL4 (RecQ like helicase 4; minus strand). Cytogenetic location: 8q24.3.
Variant type: single nucleotide variant.
Coding change: c.601T>A on transcript NM_004260.4 (MANE Select); coding-DNA position 601, T replaced by A.
Protein change: p.Phe201Ile; replaces phenylalanine 201 with isoleucine.
Molecular consequence: missense variant. On other transcripts: 5 prime UTR variant (15), non-coding transcript variant (3), intron variant (3).
Genome position (GRCh38, 1-based): chr8:144,516,518, A>T on the plus strand (T>A on the coding strand, the complement: RECQL4 is on the minus strand). VCF-style: chr8-144516518-A-T. GRCh37 (hg19) VCF-style: chr8-145741902-A-T.
Other names: c.-533T>A (NM_001413032.1, NM_001413041.1, NM_001413027.1 and 2 more transcripts); c.601T>A, p.Phe201Ile (NM_001413033.1, NM_001413036.1, NM_001413039.1 and 4 more transcripts); c.-375T>A (NM_001413034.1); c.-471T>A (NM_001413035.1, NM_001413037.1, NM_001413038.1 and 5 more transcripts); c.-740T>A (NM_001413043.1); c.355-105T>A (NM_001413029.1); c.-366-105T>A (NM_001413021.1, NM_001413028.1); c.472T>A, p.Phe158Ile (NM_001413025.1); short protein forms F158I, F201I.
Identifiers: ClinVar variation 5028091 (VCV005028091.1).

ClinVar aggregate classification (germline): Uncertain significance (1 of 4 stars; one submission).

Conditions:
Inborn genetic diseases. Identifiers: MedGen C0950123, MeSH D030342.

Submission:

Ambry Genetics
Classification: Uncertain significance for Inborn genetic diseases. Last evaluated: 2026-07-28. Review status: criteria provided, single submitter. Criteria: Ambry Variant Classification Scheme 2023. Collection method: clinical testing. Allele origin: germline.
Comment: The p.F201I variant (also known as c.601T>A), located in coding exon 5 of the RECQL4 gene, results from a T to A substitution at nucleotide position 601. The phenylalanine at codon 201 is replaced by isoleucine, an amino acid with highly similar properties. This amino acid position is conserved. In addition, this alteration is predicted to be tolerated by in silico analysis. Based on the available evidence, the clinical significance of this variant remains unclear.